The following is an entry in ClinVar:

NM_000257.4(MYH7):c.4235C>T (p.Ser1412Phe)

Gene: MYH7 (myosin heavy chain 7; minus strand). Cytogenetic location: 14q11.2.
Variant type: single nucleotide variant.
Coding change: c.4235C>T on transcript NM_000257.4 (MANE Select); coding-DNA position 4235, C replaced by T.
Protein change: p.Ser1412Phe; replaces serine 1412 with phenylalanine.
Molecular consequence: missense variant.
Genome position (GRCh38, 1-based): chr14:23,417,621, G>A on the plus strand (C>T on the coding strand, the complement: MYH7 is on the minus strand). VCF-style: chr14-23417621-G-A. GRCh37 (hg19) VCF-style: chr14-23886830-G-A.
Other names: c.4235C>T, p.Ser1412Phe (NM_001407004.1); short protein forms S1412F.
Identifiers: ClinVar variation 4614651 (VCV004614651.2).

ClinVar aggregate classification (germline): Uncertain significance. Review status: criteria provided, multiple submitters, no conflicts (2 of 4 stars). 2 submissions from 2 submitters: Uncertain significance (2). Last evaluated 2025-12-10.

Conditions:
Cardiovascular phenotype. Identifiers: MedGen CN230736.
Hypertrophic cardiomyopathy. Also called: HYPERTROPHIC MYOCARDIOPATHY. Identifiers: Orphanet 217569, MedGen C0007194, MeSH D002312, MONDO:0005045, HP:0001639.

gnomAD v4.1: 2 of 1,612,968 alleles (0.00012%); highest among the groups gnomAD compares: African/African-American, 0.0013%; no homozygotes.

Submissions (2):

Ambry Genetics
Classification: Uncertain significance for Cardiovascular phenotype. Last evaluated: 2025-12-10. Review status: criteria provided, single submitter. Criteria: Ambry Variant Classification Scheme 2023. Collection method: clinical testing. Allele origin: germline.
Comment: The p.S1412F variant (also known as c.4235C>T), located in coding exon 29 of the MYH7 gene, results from a C to T substitution at nucleotide position 4235. The serine at codon 1412 is replaced by phenylalanine, an amino acid with highly dissimilar properties. This amino acid position is well conserved in available vertebrate species. In addition, the in silico prediction for this alteration is inconclusive. Based on the available evidence, the clinical significance of this variant remains unclear.

Labcorp Genetics (formerly Invitae), Labcorp
Classification: Uncertain significance for Hypertrophic cardiomyopathy. Last evaluated: 2025-11-01. Review status: criteria provided, single submitter. Criteria: Invitae Variant Classification Sherloc (09022015). Collection method: clinical testing. Allele origin: germline.
Comment: This sequence change replaces serine, which is neutral and polar, with phenylalanine, which is neutral and non-polar, at codon 1412 of the MYH7 protein (p.Ser1412Phe). This variant is not present in population databases (gnomAD no frequency). This variant has not been reported in the literature in individuals affected with MYH7-related conditions. Invitae Evidence Modeling of protein sequence and biophysical properties (such as structural, functional, and spatial information, amino acid conservation, physicochemical variation, residue mobility, and thermodynamic stability) indicates that this missense variant is expected to disrupt MYH7 protein function with a positive predictive value of 95%. In summary, the available evidence is currently insufficient to determine the role of this variant in disease. Therefore, it has been classified as a Variant of Uncertain Significance.